The following is an entry in ClinVar:

ClinVar aggregate classification (germline): Uncertain significance. Review status: criteria provided, multiple submitters, no conflicts (2 of 4 stars). 3 submissions from 3 submitters: Uncertain significance (3). Last evaluated 2025-08-25.

Conditions:
Inborn genetic diseases. Identifiers: MedGen C0950123, MeSH D030342.
Developmental and epileptic encephalopathy, 11 (DEE11). Also called: Early infantile epileptic encephalopathy 11. Identifiers: Orphanet 1934, MedGen C3150987, MONDO:0013388, OMIM 613721.
Seizures, benign familial infantile, 3 (BFIS3). Also called: CONVULSIONS, BENIGN FAMILIAL INFANTILE, 3; Familial neonatal seizures. Identifiers: Orphanet 140927, Orphanet 306, MedGen C1843140, MONDO:0011904, OMIM 607745.

Allele frequency attached by ClinVar (database versions not stated): gnomAD exomes below 0.00001.
gnomAD v4.1: 6 of 1,613,910 alleles (0.00037%); highest among the groups gnomAD compares: Non-Finnish European, 0.00051%; no homozygotes.

Submissions (3):

Ambry Genetics
Classification: Uncertain significance for Inborn genetic diseases. Last evaluated: 2025-08-25. Review status: criteria provided, single submitter. Criteria: Ambry Variant Classification Scheme 2023. Collection method: clinical testing. Allele origin: germline.

Labcorp Genetics (formerly Invitae), Labcorp
Classification: Uncertain significance for Seizures, benign familial infantile, 3; Developmental and epileptic encephalopathy, 11. Last evaluated: 2022-12-12. Review status: criteria provided, single submitter. Criteria: Invitae Variant Classification Sherloc (09022015). Collection method: clinical testing. Allele origin: germline.
Comment: This sequence change replaces alanine, which is neutral and non-polar, with valine, which is neutral and non-polar, at codon 467 of the SCN2A protein (p.Ala467Val). This variant is not present in population databases (gnomAD no frequency). This variant has not been reported in the literature in individuals affected with SCN2A-related conditions. ClinVar contains an entry for this variant (Variation ID: 1318705). Advanced modeling of protein sequence and biophysical properties (such as structural, functional, and spatial information, amino acid conservation, physicochemical variation, residue mobility, and thermodynamic stability) has been performed at Invitae for this missense variant, however the output from this modeling did not meet the statistical confidence thresholds required to predict the impact of this variant on SCN2A protein function. In summary, the available evidence is currently insufficient to determine the role of this variant in disease. Therefore, it has been classified as a Variant of Uncertain Significance.

GeneDx
Classification: Uncertain significance. Last evaluated: 2019-11-26. Review status: criteria provided, single submitter. Criteria: GeneDx Variant Classification Process June 2021. Collection method: clinical testing. Allele origin: germline. Affected: yes.
Comment: Not observed in large population cohorts (Lek et al., 2016); The majority of missense variants in this gene are considered pathogenic (Stenson et al., 2014); In silico analysis, which includes protein predictors and evolutionary conservation, supports that this variant does not alter protein structure/function; Has not been previously published as pathogenic or benign to our knowledge

NM_001040142.2(SCN2A):c.1400C>T (p.Ala467Val)

Gene: SCN2A (sodium voltage-gated channel alpha subunit 2; plus strand). Cytogenetic location: 2q24.3.
Variant type: single nucleotide variant.
Coding change: c.1400C>T on transcript NM_001040142.2 (MANE Select); coding-DNA position 1400, C replaced by T.
Protein change: p.Ala467Val; replaces alanine 467 with valine.
Molecular consequence: missense variant.
Genome position (GRCh38, 1-based): chr2:165,315,487, C>T. VCF-style: chr2-165315487-C-T. GRCh37 (hg19) VCF-style: chr2-166171997-C-T.
Other names: c.1400C>T, p.Ala467Val (NM_001040143.2, NM_001371246.1, NM_001371247.1 and 1 more transcripts); short protein forms A467V.
Identifiers: ClinVar variation 1318705 (VCV001318705.6), dbSNP rs2105259518, ClinGen allele CA349022667.
Genomic context (GRCh38, chr2:165,315,487, plus strand): 5'-TTTTAAGTTTATATGCAACTTCCACATACTTTGCGCCCTTCTAGGCGGCAGCTGCAGCCG[C>T]ATCTGCTGAATCAAGAGACTTCAGTGGTGCTGGTGGGATAGGAGTTTTTTCAGAGAGTTC-3'
Protein context (NP_001035232.1, residues 457-477): QEEAQAAAAA[Ala467Val]SAESRDFSGA